The following is an entry in ClinVar:

ClinVar aggregate classification (germline): Benign. Review status: criteria provided, multiple submitters, no conflicts (2 of 4 stars). 3 submissions from 3 submitters: Benign (3). Last evaluated 2025-12-24.

Allele frequency attached by ClinVar (database versions not stated): gnomAD exomes 0.00031 and 0.00074; ExAC 0.00101; gnomAD 0.00314 and 0.00325; ESP Exome Variant Server 0.00315; TOPMed 0.00332; 1000 Genomes Project 0.00459; 1000 Genomes Project 30x 0.00484.

Submissions (3):

Labcorp Genetics (formerly Invitae), Labcorp
Classification: Benign. Last evaluated: 2025-12-24. Review status: criteria provided, single submitter. Criteria: Invitae Variant Classification Sherloc (09022015). Collection method: clinical testing. Allele origin: germline.

Mayo Clinic Laboratories, Mayo Clinic
Classification: Benign. Last evaluated: 2025-06-16. Review status: criteria provided, single submitter. Criteria: ACMG Guidelines, 2015. Collection method: clinical testing. Allele origin: germline. Observed: 1 variant allele.
Comment: BS1, BS2, BP4_moderate

Breakthrough Genomics
Classification: Benign. Review status: criteria provided, single submitter. Criteria: ACMG Guidelines, 2015. Collection method: not provided. Allele origin: germline. Inheritance: Autosomal recessive inheritance. Affected: yes.

NM_001557.4(CXCR2):c.721G>A (p.Ala241Thr)

Gene: CXCR2 (C-X-C motif chemokine receptor 2; plus strand). Cytogenetic location: 2q35.
Variant type: single nucleotide variant.
Coding change: c.721G>A on transcript NM_001557.4 (MANE Select); coding-DNA position 721, G replaced by A.
Protein change: p.Ala241Thr; replaces alanine 241 with threonine.
Molecular consequence: missense variant.
Genome position (GRCh38, 1-based): chr2:218,135,522, G>A. VCF-style: chr2-218135522-G-A. GRCh37 (hg19) VCF-style: chr2-219000245-G-A.
Other names: p.Ala241Thr; c.721G>A, p.Ala241Thr (NM_001168298.2); short protein forms A241T.
Identifiers: ClinVar variation 719460 (VCV000719460.11), dbSNP rs61733608, ClinGen allele CA2101764.